The following is an entry in ClinVar:

NM_004415.4(DSP):c.939+4A>C

Gene: DSP (desmoplakin; plus strand). Cytogenetic location: 6p24.3.
Variant type: single nucleotide variant.
Coding change: c.939+4A>C on transcript NM_004415.4 (MANE Select); 4 bases into the intron after coding-DNA position 939, A replaced by C.
Molecular consequence: intron variant.
Genome position (GRCh38, 1-based): chr6:7,565,524, A>C. VCF-style: chr6-7565524-A-C. GRCh37 (hg19) VCF-style: chr6-7565757-A-C.
Other names: c.939+4A>C (NM_001319034.2, NM_001008844.3).
Identifiers: ClinVar variation 2150625 (VCV002150625.4), dbSNP rs2533873076, ClinGen allele CA2580075353.

ClinVar aggregate classification (germline): Uncertain significance (1 of 4 stars; one submission).

Conditions:
Arrhythmogenic right ventricular dysplasia 8 (ARVD8). Also called: ARRHYTHMOGENIC RIGHT VENTRICULAR DYSPLASIA, FAMILIAL, 8; ARRHYTHMOGENIC RIGHT VENTRICULAR CARDIOMYOPATHY 8; Arrhythmogenic Right Ventricular Dysplasia/Cardiomyopathy 8. Identifiers: MedGen C1843896, MONDO:0011831, OMIM 607450.
Arrhythmogenic cardiomyopathy with wooly hair and keratoderma. Also called: Arrhythmogenic cardiomyopathy with woolly hair and keratoderma; PALMOPLANTAR KERATODERMA WITH LEFT VENTRICULAR CARDIOMYOPATHY AND WOOLLY HAIR; Dilated cardiomyopathy with woolly hair and keratoderma; Carvajal syndrome. Identifiers: Orphanet 65282, MedGen C1854063, MONDO:0011581, OMIM 605676.

Submission:

Labcorp Genetics (formerly Invitae), Labcorp
Classification: Uncertain significance for Arrhythmogenic cardiomyopathy with wooly hair and keratoderma; Arrhythmogenic right ventricular dysplasia 8. Last evaluated: 2022-02-06. Review status: criteria provided, single submitter. Criteria: Invitae Variant Classification Sherloc (09022015). Collection method: clinical testing. Allele origin: germline.
Comment: This sequence change falls in intron 7 of the DSP gene. It does not directly change the encoded amino acid sequence of the DSP protein. It affects a nucleotide within the consensus splice site. This variant is not present in population databases (gnomAD no frequency). This variant has not been reported in the literature in individuals affected with DSP-related conditions. Variants that disrupt the consensus splice site are a relatively common cause of aberrant splicing (PMID: 17576681, 9536098). Algorithms developed to predict the effect of sequence changes on RNA splicing suggest that this variant may disrupt the consensus splice site. In summary, the available evidence is currently insufficient to determine the role of this variant in disease. Therefore, it has been classified as a Variant of Uncertain Significance.

Literature cited by the submitters: PubMed 17576681; PubMed 9536098.